The following is an entry in ClinVar:

NM_014714.4(IFT140):c.2053C>T (p.Arg685Cys)

Gene: IFT140 (intraflagellar transport 140; minus strand). Cytogenetic location: 16p13.3.
Variant type: single nucleotide variant.
Coding change: c.2053C>T on transcript NM_014714.4 (MANE Select); coding-DNA position 2053, C replaced by T.
Protein change: p.Arg685Cys; replaces arginine 685 with cysteine.
Molecular consequence: missense variant.
Genome position (GRCh38, 1-based): chr16:1,564,011, G>A on the plus strand (C>T on the coding strand, the complement: IFT140 is on the minus strand). VCF-style: chr16-1564011-G-A. GRCh37 (hg19) VCF-style: chr16-1614012-G-A.
Other names: short protein forms R685C.
Identifiers: ClinVar variation 966222 (VCV000966222.10), dbSNP rs778368172, ClinGen allele CA7814038.

ClinVar aggregate classification (germline): Uncertain significance. Review status: criteria provided, multiple submitters, no conflicts (2 of 4 stars). 2 submissions from 2 submitters: Uncertain significance (2). Last evaluated 2022-02-11.

Conditions:
Saldino-Mainzer syndrome (SRTD9). Also called: CONORENAL SYNDROME; SHORT-RIB THORACIC DYSPLASIA 9 WITHOUT POLYDACTYLY; short-rib thoracic dysplasia 9 with or without polydactyly; Renal dysplasia, retinal pigmentary dystrophy, cerebellar ataxia and skeletal dysplasia. Identifiers: Orphanet 140969, MedGen C1849437, MONDO:0009964, OMIM 266920.
Retinitis pigmentosa 80 (RP80). Identifiers: MedGen C4540439, MONDO:0054708, OMIM 617781.

Allele frequency attached by ClinVar (database versions not stated): ExAC 0.00001; gnomAD 0.00001; gnomAD exomes 0.00001; TOPMed 0.00001.

Submissions (2):

Fulgent Genetics
Classification: Uncertain significance for Saldino-Mainzer syndrome; Retinitis pigmentosa 80. Last evaluated: 2022-02-11. Review status: criteria provided, single submitter. Criteria: ACMG Guidelines, 2015. Collection method: clinical testing. Allele origin: unknown.

Labcorp Genetics (formerly Invitae), Labcorp
Classification: Uncertain significance for Saldino-Mainzer syndrome. Last evaluated: 2019-10-29. Review status: criteria provided, single submitter. Criteria: Invitae Variant Classification Sherloc (09022015). Collection method: clinical testing. Allele origin: germline.
Comment: In summary, the available evidence is currently insufficient to determine the role of this variant in disease. Therefore, it has been classified as a Variant of Uncertain Significance. Algorithms developed to predict the effect of sequence changes on RNA splicing suggest that this variant may create or strengthen a splice site, but this prediction has not been confirmed by published transcriptional studies. Algorithms developed to predict the effect of missense changes on protein structure and function are either unavailable or do not agree on the potential impact of this missense change (SIFT: "Tolerated"; PolyPhen-2: "Benign"; Align-GVGD: "Class C0"). This sequence change replaces arginine with cysteine at codon 685 of the IFT140 protein (p.Arg685Cys). The arginine residue is weakly conserved and there is a large physicochemical difference between arginine and cysteine. This variant is present in population databases (rs778368172, ExAC 0.002%). This variant has not been reported in the literature in individuals with IFT140-related conditions.